The following is an entry in ClinVar:

NM_005591.4(MRE11):c.1327-1G>C

Gene: MRE11 (MRE11 double strand break repair nuclease; minus strand). Cytogenetic location: 11q21.
Variant type: single nucleotide variant.
Coding change: c.1327-1G>C on transcript NM_005591.4 (MANE Select); the canonical splice acceptor site of the intron before coding-DNA position 1327, G replaced by C.
Molecular consequence: splice acceptor variant.
Genome position (GRCh38, 1-based): chr11:94,459,582, C>G on the plus strand (G>C on the coding strand, the complement: MRE11 is on the minus strand). VCF-style: chr11-94459582-C-G. GRCh37 (hg19) VCF-style: chr11-94192748-C-G.
Other names: c.1327-1G>C (NM_001330347.2, NM_005590.4).
Identifiers: ClinVar variation 1800432 (VCV001800432.2), dbSNP rs1591672744, ClinGen allele CA382372173.
Genomic context (GRCh38, chr11:94,459,582, plus strand): 5'-CACAAATTCTTGTACTGCTTCACCCATCCCTCTTTCTGTTAGCAGTGAGAGCTGCACATT[C>G]TGTAAGATACAAATCACTGGATGCAGAAATAGTTTTTATTCCTTACAAAATAATTATAGA-3'

ClinVar aggregate classification (germline): Likely pathogenic (1 of 4 stars; one submission).

Conditions:
Hereditary cancer-predisposing syndrome. Also called: Neoplastic Syndromes, Hereditary; Tumor predisposition; Hereditary Cancer Syndrome; Hereditary neoplastic syndrome. Identifiers: Orphanet 140162, MedGen C0027672, MeSH D009386, MONDO:0015356.

Submission:

Ambry Genetics
Classification: Likely pathogenic for Hereditary cancer-predisposing syndrome. Last evaluated: 2019-11-14. Review status: criteria provided, single submitter. Criteria: Ambry Variant Classification Scheme 2023. Collection method: clinical testing. Allele origin: germline.
Comment: The c.1327-1G>C intronic variant results from a G to C substitution one nucleotide upstream from coding exon 12 of the MRE11A gene. This nucleotide position is highly conserved in available vertebrate species. Using the BDGP and ESEfinder splice site prediction tools, this alteration is predicted to abolish this splice acceptor site; however, direct evidence is unavailable. Alterations that disrupt the canonical splice site are expected to cause aberrant splicing, resulting in an abnormal protein or a transcript that is subject to nonsense-mediated mRNA decay. As such, this alteration is classified as likely pathogenic.